The following continues an entry in ClinVar:

NM_000329.3(RPE65):c.1102T>C (p.Tyr368His)

Gene: RPE65. ClinVar aggregate classification (germline): Pathogenic. Pathogenic (1).

Submissions 11 to 23 of 23:

GeneDx
Classification: Pathogenic. Last evaluated: 2022-04-08. Review status: criteria provided, single submitter. Criteria: GeneDx Variant Classification Process June 2021. Collection method: clinical testing. Allele origin: germline. Affected: yes. Not counted in ClinVar's aggregate classification.
Comment: Published functional studies demonstrate that Y368H decreases protein levels, stability, and alters subcellular localization of the RPE65 protein (Takahashi et al., 2006); In silico analysis supports that this missense variant has a deleterious effect on protein structure/function; This variant is associated with the following publications: (PMID: 25257057, 11786058, 18774912, 28555434, 11095629, 16150724, 19753312, 17525851, 10937591, 22334370, 15288992, 26626312, 21153841, 12960219, 16754667, 30268864, 30718709, 30820146, 29074561, 32037395, 16096063, 24849605)

3billion
Classification: Pathogenic for Retinitis pigmentosa 20. Last evaluated: 2022-01-03. Review status: criteria provided, single submitter. Criteria: ACMG Guidelines, 2015. Collection method: clinical testing. Allele origin: germline. Affected: yes. Observed: 1 homozygote. Not counted in ClinVar's aggregate classification.
Comment: Same nucleotide change resulting in same amino acid change has been previously reported as pathogenic/likely pathogenic with strong evidence (ClinVar ID: VCV000029870, PMID:10937591, PS1_S). A different missense change at the same codon has been reported to be associated with RPE65 related disorder (PMID:16123401, PM5_P). In silico tool predictions suggest damaging effect of the variant on gene or gene product (REVEL: 0.969, PP3_P). A missense variant is a common mechanism associated with Retinitis pigmentosa 20 (PP2_P). It is observed at an extremely low frequency in the gnomAD v2.1.1 dataset (total allele frequency: 0.000067, PM2_M). Therefore, this variant is classified as pathogenic according to the recommendation of ACMG/AMP guideline.

Institute of Medical Genetics and Applied Genomics, University Hospital Tübingen
Classification: Pathogenic. Last evaluated: 2021-02-01. Review status: criteria provided, single submitter. Criteria: ACMG Guidelines, 2015. Collection method: clinical testing. Allele origin: germline. Inheritance: Autosomal recessive inheritance. Affected: yes. Not counted in ClinVar's aggregate classification.

Institute of Human Genetics, Univ. Regensburg, Univ. Regensburg
Classification: Pathogenic for Retinal dystrophy. Last evaluated: 2019-01-01. Review status: criteria provided, single submitter. Criteria: ACMG Guidelines, 2015. Collection method: clinical testing. Allele origin: germline. Affected: yes. Not counted in ClinVar's aggregate classification.

Illumina Laboratory Services, Illumina
Classification: Pathogenic for RPE65-Related Disorders. Last evaluated: 2017-04-27. Review status: criteria provided, single submitter. Criteria: ICSL Variant Classification Criteria 09 May 2019. Collection method: clinical testing. Allele origin: germline. Not counted in ClinVar's aggregate classification.
Comment: Across a selection of available literature, the RPE65 c.1102T>C (p.Tyr368His) missense variant has been identified in a total of 25 individuals with RPE65-related disorders including in 17 individuals in a homozygous state, in 8 individuals in a compound heterozygous state. Phenotypes of the affected individuals included congenital retinal dystrophy and Leber congenital amaurosis. The variant was also detected in a heterozygous state in five unaffected family members (Felius et al. 2002; Yzer et al. 2003; Sundaresan et al. 2009; Ripamonti et al. 2014; Astuti et al. 2016). The p.Tyr368His variant was found in a heterozygous state in three of 2291 controls and is reported at a frequency of 0.00012 in the European (non-Finnish) population of the Exome Aggregation Consortium. Functional studies in cell lines demonstrated that the p.Tyr368His variant significantly reduced enzymatic activity compared to wild type RPE65 and had decreased protein stability (Takahashi et al. 2006; Li et al. 2014). In vivo functional studies also showed that the p.Tyr368His variant reduced enzymatic activity after subretinal injection into Rpe65 knockout mice (Takahashi et al. 2006). Based on the collective evidence, the p.Tyr368His variant is classified as pathogenic for RPE65-related disorders. This variant was observed by ICSL as part of a predisposition screen in an ostensibly healthy population.

Department of Clinical Genetics, Copenhagen University Hospital, Rigshospitalet
Classification: Pathogenic for Retinitis pigmentosa. Last evaluated: 2018-04-01. Review status: no assertion criteria provided. Collection method: research. Allele origin: unknown. Affected: yes. Study: VeluxRD. Not counted in ClinVar's aggregate classification.

Joint Genome Diagnostic Labs from Nijmegen and Maastricht, Radboudumc and MUMC+
Classification: Pathogenic for Retinitis pigmentosa 20. Last evaluated: 2016-09-01. Review status: no assertion criteria provided. Collection method: clinical testing. Allele origin: unknown. Affected: yes. Observed: 1 variant allele. Not counted in ClinVar's aggregate classification.

OMIM
Classification: Pathogenic for RETINITIS PIGMENTOSA 20. Last evaluated: 2003-09-01. Review status: no assertion criteria provided. Collection method: literature only. Allele origin: germline. Not counted in ClinVar's aggregate classification.

OMIM
Classification: Pathogenic for LEBER CONGENITAL AMAUROSIS 2. Last evaluated: 2003-09-01. Review status: no assertion criteria provided. Collection method: literature only. Allele origin: germline. Not counted in ClinVar's aggregate classification.

Clinical Genetics, Academic Medical Center
Classification: Pathogenic. Review status: no assertion criteria provided. Collection method: clinical testing. Allele origin: germline. Affected: yes. Study: VKGL Data-share Consensus. Not counted in ClinVar's aggregate classification.

Joint Genome Diagnostic Labs from Nijmegen and Maastricht, Radboudumc and MUMC+
Classification: Pathogenic. Review status: no assertion criteria provided. Collection method: clinical testing. Allele origin: germline. Affected: yes. Study: VKGL Data-share Consensus. Not counted in ClinVar's aggregate classification.

Laboratory of Genetics in Ophthalmology, Institut Imagine
Classification: Pathogenic for Leber congenital amaurosis 2. Review status: no assertion criteria provided. Collection method: research. Allele origin: inherited. Affected: yes. Observed: 5 variant alleles. Not counted in ClinVar's aggregate classification.

Retina International
No classification provided. Review status: no classification provided. Collection method: not provided. Allele origin: not provided. Not counted in ClinVar's aggregate classification.

Literature cited by the submitters: PubMed 11786058 (cited by 5 submitters); PubMed 10937591 (cited by 4 submitters); PubMed 16754667 (cited by 4 submitters); PubMed 26626312 (cited by Natera, Inc. and Illumina Laboratory Services, Illumina); PubMed 16123401 (cited by 3billion); PubMed 12960219 (cited by 3 submitters); PubMed 16096063 (cited by Institute of Human Genetics, Univ. Regensburg, Univ. Regensburg); PubMed 16150724 (cited by Institute of Human Genetics, Univ. Regensburg, Univ. Regensburg); PubMed 17525851 (cited by Institute of Human Genetics, Univ. Regensburg, Univ. Regensburg); PubMed 24849605 (cited by Institute of Human Genetics, Univ. Regensburg, Univ. Regensburg and Illumina Laboratory Services, Illumina); PubMed 25257057 (cited by Institute of Human Genetics, Univ. Regensburg, Univ. Regensburg and Illumina Laboratory Services, Illumina); PubMed 30268864 (cited by Institute of Human Genetics, Univ. Regensburg, Univ. Regensburg); PubMed 29074561 (cited by Institute of Human Genetics, Univ. Regensburg, Univ. Regensburg); PubMed 31964843 (cited by Institute of Human Genetics, Univ. Regensburg, Univ. Regensburg); PubMed 32531858 (cited by Institute of Human Genetics, Univ. Regensburg, Univ. Regensburg); PubMed 32037395 (cited by Institute of Human Genetics, Univ. Regensburg, Univ. Regensburg); PubMed 34492281 (cited by Institute of Human Genetics, Univ. Regensburg, Univ. Regensburg); PubMed 36460718 (cited by Institute of Human Genetics, Univ. Regensburg, Univ. Regensburg); PubMed 36819107 (cited by Institute of Human Genetics, Univ. Regensburg, Univ. Regensburg); PubMed 19753312 (cited by Illumina Laboratory Services, Illumina); PubMed 30718709 (cited by Department of Clinical Genetics, Copenhagen University Hospital, Rigshospitalet); PubMed 13616783 (cited by OMIM).